The following is an entry in ClinVar:

ClinVar aggregate classification (germline): Likely benign. Review status: criteria provided, multiple submitters, no conflicts (2 of 4 stars). 2 submissions from 2 submitters: Likely benign (2). Last evaluated 2025-05-27.

Conditions:
ATP8B1-related disorder. Also called: ATP8B1-related condition; ATP8B1-related disorders.

Allele frequency attached by ClinVar (database versions not stated): gnomAD exomes 0.00001; ExAC 0.00003; TOPMed 0.00003; gnomAD 0.00004; 1000 Genomes Project 0.00060; 1000 Genomes Project 30x 0.00062.
gnomAD v4.1: 9 of 1,614,094 alleles (0.00056%); highest among the groups gnomAD compares: African/African-American, 0.008%; no homozygotes.

Submissions (2):

Labcorp Genetics (formerly Invitae), Labcorp
Classification: Likely benign. Last evaluated: 2025-05-27. Review status: criteria provided, single submitter. Criteria: Invitae Variant Classification Sherloc (09022015). Collection method: clinical testing. Allele origin: germline.

PreventionGenetics, part of Exact Sciences
Classification: Likely benign for ATP8B1-related condition. Last evaluated: 2025-04-03. Review status: criteria provided, single submitter. Criteria: ACMG Guidelines, 2015. Collection method: clinical testing. Allele origin: germline.
Comment: This variant is classified as likely benign based on ACMG/AMP sequence variant interpretation guidelines (Richards et al. 2015 PMID: 25741868, with internal and published modifications).

NM_001374385.1(ATP8B1):c.3063G>A (p.Val1021=)

Genes: ATP8B1-AS1 (ATP8B1 antisense RNA 1; plus strand), ATP8B1 (ATPase phospholipid transporting 8B1; minus strand). Cytogenetic location: 18q21.31.
Variant type: single nucleotide variant.
Coding change: c.3063G>A on transcript NM_001374385.1 (MANE Select); coding-DNA position 3063, G replaced by A.
Protein change: p.Val1021=; no amino-acid change (valine 1021 retained).
Molecular consequence: synonymous variant.
Genome position (GRCh38, 1-based): chr18:57,652,682, C>T on the plus strand (G>A on the coding strand, the complement: ATP8B1 is on the minus strand). VCF-style: chr18-57652682-C-T. GRCh37 (hg19) VCF-style: chr18-55319914-C-T.
Other names: c.2913G>A, p.Val971= (NM_001374386.1); c.3063G>A, p.Val1021= (NM_005603.6); c.3063G>A (NM_005603.4).
Identifiers: ClinVar variation 2907599 (VCV002907599.4), dbSNP rs533537304, ClinGen allele CA8974083.